The following is an entry in ClinVar:

NM_000143.4(FH):c.603A>G (p.Ile201Met)

Gene: FH (fumarate hydratase; minus strand). Cytogenetic location: 1q43.
Variant type: single nucleotide variant.
Coding change: c.603A>G on transcript NM_000143.4 (MANE Select); coding-DNA position 603, A replaced by G.
Protein change: p.Ile201Met; replaces isoleucine 201 with methionine.
Molecular consequence: missense variant.
Genome position (GRCh38, 1-based): chr1:241,508,738, T>C on the plus strand (A>G on the coding strand, the complement: FH is on the minus strand). VCF-style: chr1-241508738-T-C. GRCh37 (hg19) VCF-style: chr1-241672038-T-C.
Other names: c.603A>G (NM_000143.3); short protein forms I201M.
Identifiers: ClinVar variation 1411869 (VCV001411869.9), dbSNP rs2147919643, ClinGen allele CA345439413.

ClinVar aggregate classification (germline): Uncertain significance. Review status: criteria provided, multiple submitters, no conflicts (2 of 4 stars). 2 submissions from 2 submitters: Uncertain significance (2). Last evaluated 2023-10-05.

Conditions:
Hereditary cancer-predisposing syndrome. Also called: Hereditary Cancer Syndrome; Tumor predisposition; Hereditary neoplastic syndrome; Neoplastic Syndromes, Hereditary. Identifiers: Orphanet 140162, MedGen C0027672, MeSH D009386, MONDO:0015356.

gnomAD v4.1: 1 of 1,613,968 alleles (0.000062%); highest among the groups gnomAD compares: Non-Finnish European, 0.000085%; no homozygotes.

Submissions (2):

Ambry Genetics
Classification: Uncertain significance for Hereditary cancer-predisposing syndrome. Last evaluated: 2023-10-05. Review status: criteria provided, single submitter. Criteria: Ambry Variant Classification Scheme 2023. Collection method: clinical testing. Allele origin: germline.
Comment: The p.I201M variant (also known as c.603A>G), located in coding exon 5 of the FH gene, results from an A to G substitution at nucleotide position 603. The isoleucine at codon 201 is replaced by methionine, an amino acid with highly similar properties. This amino acid position is poorly conserved in available vertebrate species. In addition, this alteration is predicted to be tolerated by in silico analysis. Since supporting evidence is limited at this time, the clinical significance of this alteration remains unclear.

Labcorp Genetics (formerly Invitae), Labcorp
Classification: Uncertain significance. Last evaluated: 2023-07-17. Review status: criteria provided, single submitter. Criteria: Invitae Variant Classification Sherloc (09022015). Collection method: clinical testing. Allele origin: germline.
Comment: In summary, the available evidence is currently insufficient to determine the role of this variant in disease. Therefore, it has been classified as a Variant of Uncertain Significance. Advanced modeling of protein sequence and biophysical properties (such as structural, functional, and spatial information, amino acid conservation, physicochemical variation, residue mobility, and thermodynamic stability) performed at Invitae indicates that this missense variant is not expected to disrupt FH protein function. ClinVar contains an entry for this variant (Variation ID: 1411869). This variant has not been reported in the literature in individuals affected with FH-related conditions. This variant is not present in population databases (gnomAD no frequency). This sequence change replaces isoleucine, which is neutral and non-polar, with methionine, which is neutral and non-polar, at codon 201 of the FH protein (p.Ile201Met).